The following is an entry in ClinVar:

ClinVar aggregate classification (germline): Uncertain significance. Review status: criteria provided, multiple submitters, no conflicts (2 of 4 stars). 2 submissions from 2 submitters: Uncertain significance (2). Last evaluated 2025-12-29.

Conditions:
POLD1-related polyposis and colorectal cancer syndrome (CRCS10). Also called: Colorectal cancer 10; COLORECTAL CANCER, SUSCEPTIBILITY TO, ON CHROMOSOME 19q; Colorectal cancer, susceptibility to, 10. Identifiers: Orphanet 220460, MedGen C2675481, MONDO:0012953, OMIM 612591.

Submissions (2):

Center for Genomic Medicine, Rigshospitalet, Copenhagen University Hospital
Classification: Uncertain significance. Last evaluated: 2025-12-29. Review status: criteria provided, single submitter. Criteria: ACMG Guidelines, 2015. Collection method: clinical testing. Allele origin: germline.

Labcorp Genetics (formerly Invitae), Labcorp
Classification: Uncertain significance for POLD1-related polyposis and colorectal cancer syndrome. Last evaluated: 2021-08-10. Review status: criteria provided, single submitter. Criteria: Invitae Variant Classification Sherloc (09022015). Collection method: clinical testing. Allele origin: germline.
Comment: This sequence change replaces alanine with threonine at codon 963 of the POLD1 protein (p.Ala963Thr). The alanine residue is weakly conserved and there is a small physicochemical difference between alanine and threonine. In summary, the available evidence is currently insufficient to determine the role of this variant in disease. Therefore, it has been classified as a Variant of Uncertain Significance. Algorithms developed to predict the effect of missense changes on protein structure and function (SIFT, PolyPhen-2, Align-GVGD) all suggest that this variant is likely to be tolerated. This variant has not been reported in the literature in individuals affected with POLD1-related conditions. This variant is not present in population databases (ExAC no frequency).

NM_002691.4(POLD1):c.2887G>A (p.Ala963Thr)

Gene: POLD1 (DNA polymerase delta 1, catalytic subunit; plus strand). Cytogenetic location: 19q13.33.
Variant type: single nucleotide variant.
Coding change: c.2887G>A on transcript NM_002691.4 (MANE Select); coding-DNA position 2887, G replaced by A.
Protein change: p.Ala963Thr; replaces alanine 963 with threonine.
Molecular consequence: missense variant. On other transcripts: non-coding transcript variant (1).
Genome position (GRCh38, 1-based): chr19:50,416,462, G>A. VCF-style: chr19-50416462-G-A. GRCh37 (hg19) VCF-style: chr19-50919719-G-A.
Other names: c.2887G>A, p.Ala963Thr (NM_001256849.1); c.2965G>A, p.Ala989Thr (NM_001308632.1); short protein forms A963T, A989T.
Identifiers: ClinVar variation 1510729 (VCV001510729.7), dbSNP rs867478588, ClinGen allele CA309605361.
Genomic context (GRCh38, chr19:50,416,462, plus strand): 5'-CTGTTCGTGCTGGAGCACAGCCTGCCCATTGACACGCAGTACTACCTGGAGCAGCAGCTG[G>A]CCAAGCCCCTCCTGCGCATCTTCGAGCCCATCCTGGGCGAGGGCCGTGCCGAGGCTGTGC-3'
Protein context (NP_002682.2, residues 953-973): DTQYYLEQQL[Ala963Thr]KPLLRIFEPI